The following is an entry in ClinVar:

NM_004006.3(DMD):c.9415A>T (p.Lys3139Ter)

Gene: DMD (dystrophin; minus strand). Cytogenetic location: Xp21.2.
Variant type: single nucleotide variant.
Coding change: c.9415A>T on transcript NM_004006.3 (MANE Select); coding-DNA position 9415, A replaced by T.
Protein change: p.Lys3139Ter; replaces lysine 3139 with a stop codon.
Molecular consequence: nonsense.
Genome position (GRCh38, 1-based): chrX:31,209,646, T>A on the plus strand (A>T on the coding strand, the complement: DMD is on the minus strand). VCF-style: chrX-31209646-T-A. GRCh37 (hg19) VCF-style: chrX-31227763-T-A.
Other names: c.9391A>T, p.Lys3131Ter (NM_000109.4); c.9403A>T, p.Lys3135Ter (NM_004009.3); c.9046A>T, p.Lys3016Ter (NM_004010.3); c.5392A>T, p.Lys1798Ter (NM_004011.4); c.5383A>T, p.Lys1795Ter (NM_004012.4); c.2035A>T, p.Lys679Ter (NM_004013.3, NM_004020.4, NM_004021.3 and 2 more transcripts); c.1228A>T, p.Lys410Ter (NM_004014.3); c.211A>T, p.Lys71Ter (NM_004015.3, NM_004016.3, NM_004017.3 and 2 more transcripts); short protein forms K1795*, K1798*, K3016*, K3131*, K3135*, K3139*, K410*, K679*.
Identifiers: ClinVar variation 1072908 (VCV001072908.7), dbSNP rs1060502628, ClinGen allele CA412650055.

ClinVar aggregate classification (germline): Pathogenic (1 of 4 stars; one submission).

Conditions:
Duchenne muscular dystrophy (DMD). Also called: MUSCULAR DYSTROPHY, PSEUDOHYPERTROPHIC PROGRESSIVE, DUCHENNE TYPE; Duchenne Muscular Dystrophy (DMD). Identifiers: Orphanet 98896, MedGen C0013264, MONDO:0010679, OMIM 310200.

Submission:

Labcorp Genetics (formerly Invitae), Labcorp
Classification: Pathogenic for Duchenne muscular dystrophy. Last evaluated: 2020-04-13. Review status: criteria provided, single submitter. Criteria: Invitae Variant Classification Sherloc (09022015). Collection method: clinical testing. Allele origin: germline.
Comment: For these reasons, this variant has been classified as Pathogenic. Loss-of-function variants in DMD are known to be pathogenic (PMID: 16770791, 25007885). This variant has not been reported in the literature in individuals with DMD-related conditions. This variant is not present in population databases (ExAC no frequency). This sequence change creates a premature translational stop signal (p.Lys3139*) in the DMD gene. It is expected to result in an absent or disrupted protein product.

Literature cited by the submitters: PubMed 16770791; PubMed 25007885.